The following is an entry in ClinVar:

NC_000014.9:g.106627284G>C

Genes: IGH (immunoglobulin heavy locus; minus strand), IGHV4-59 (immunoglobulin heavy variable 4-59; minus strand). Cytogenetic location: 14q32.33.
Variant type: single nucleotide variant.
Genome position: GRCh38 VCF-style: chr14-106627284-G-C. GRCh37 (hg19) VCF-style: chr14-107083289-G-C.
Identifiers: ClinVar variation 2644933 (VCV002644933.24), dbSNP rs781925705, ClinGen allele CA266759354.
Genomic context (GRCh38, chr14:106,627,284, plus strand): 5'-CTCACACTCACCTCCCCTCACTGTGTCTCTCGCACAGTAATACACGGCCGTGTCCGCAGC[G>C]GTCACAGAGCTCAGCTTCAGGGAGAACTGGTTCTTGGACGTGTCTACTGATATGGTGACT-3'

ClinVar aggregate classification (germline): Likely benign (1 of 4 stars; one submission).

Allele frequency attached by ClinVar (database versions not stated): gnomAD exomes below 0.00001.

Submission:

CeGaT Center for Human Genetics Tuebingen
Classification: Likely benign. Last evaluated: 2022-07-01. Review status: criteria provided, single submitter. Criteria: CeGaT Center For Human Genetics Tuebingen Variant Classification Criteria Version 2. Collection method: clinical testing. Allele origin: germline. Affected: yes. Observed: 1 variant allele.
Comment: IGHV4-59: BP4, BP7